The following is an entry in ClinVar:

ClinVar aggregate classification (germline): Uncertain significance (1 of 4 stars; one submission).

Submission:

CeGaT Center for Human Genetics Tuebingen
Classification: Uncertain significance. Last evaluated: 2024-09-01. Review status: criteria provided, single submitter. Criteria: CeGaT Center For Human Genetics Tuebingen Variant Classification Criteria Version 2. Collection method: clinical testing. Allele origin: germline. Affected: yes. Observed: 1 variant allele.
Comment: CDK5RAP2: PM2, BP4

NM_018249.6(CDK5RAP2):c.2135C>T (p.Thr712Met)

Gene: CDK5RAP2 (CDK5 regulatory subunit associated protein 2; minus strand). Cytogenetic location: 9q33.2.
Variant type: single nucleotide variant.
Coding change: c.2135C>T on transcript NM_018249.6 (MANE Select); coding-DNA position 2135, C replaced by T.
Protein change: p.Thr712Met; replaces threonine 712 with methionine.
Molecular consequence: missense variant. On other transcripts: non-coding transcript variant (5), intron variant (3).
Genome position (GRCh38, 1-based): chr9:120,460,639, G>A on the plus strand (C>T on the coding strand, the complement: CDK5RAP2 is on the minus strand). VCF-style: chr9-120460639-G-A. GRCh37 (hg19) VCF-style: chr9-123222917-G-A.
Other names: c.2135C>T, p.Thr712Met (NM_001011649.3); c.2132C>T, p.Thr711Met (NM_001410994.1); c.2103+7221C>T (NM_001272039.2); c.2104-2017C>T (NM_001410992.1); c.2107-2017C>T (NM_001410993.1); short protein forms T711M, T712M.
Identifiers: ClinVar variation 3388977 (VCV003388977.14).